The following is an entry in ClinVar:

NM_032730.5(RTN4IP1):c.1173T>G (p.Thr391=)

Genes: CRYBG1 (crystallin beta-gamma domain containing 1; plus strand), RTN4IP1 (reticulon 4 interacting protein 1; minus strand). Cytogenetic location: 6q21.
Variant type: single nucleotide variant.
Coding change: c.1173T>G on transcript NM_032730.5 (MANE Select); coding-DNA position 1173, T replaced by G.
Protein change: p.Thr391=; no amino-acid change (threonine 391 retained).
Molecular consequence: synonymous variant. On other transcripts: 3 prime UTR variant (2).
Genome position (GRCh38, 1-based): chr6:106,572,014, A>C on the plus strand (T>G on the coding strand, the complement: RTN4IP1 is on the minus strand). VCF-style: chr6-106572014-A-C. GRCh37 (hg19) VCF-style: chr6-107019889-A-C.
Other names: c.*3448A>C (NM_001371242.2, NM_001624.4); c.873T>G, p.Thr291= (NM_001318746.1).
Identifiers: ClinVar variation 2656809 (VCV002656809.24), dbSNP rs143572559, ClinGen allele CA3944257.

ClinVar aggregate classification (germline): Likely benign (1 of 4 stars; one submission).

Allele frequency attached by ClinVar (database versions not stated): gnomAD exomes below 0.00001; TOPMed 0.00001; ESP Exome Variant Server 0.00008.
gnomAD v4.1: 5 of 1,612,092 alleles (0.00031%); highest among the groups gnomAD compares: Non-Finnish European, 0.00042%; no homozygotes.

Submission:

CeGaT Center for Human Genetics Tuebingen
Classification: Likely benign. Last evaluated: 2023-06-01. Review status: criteria provided, single submitter. Criteria: CeGaT Center For Human Genetics Tuebingen Variant Classification Criteria Version 2. Collection method: clinical testing. Allele origin: germline. Affected: yes. Observed: 1 variant allele.
Comment: RTN4IP1: BP4, BP7